The following is an entry in ClinVar:

NM_030962.4(SBF2):c.1183C>A (p.Gln395Lys)

Gene: SBF2 (SET binding factor 2; minus strand). Cytogenetic location: 11p15.4.
Variant type: single nucleotide variant.
Coding change: c.1183C>A on transcript NM_030962.4 (MANE Select); coding-DNA position 1183, C replaced by A.
Protein change: p.Gln395Lys; replaces glutamine 395 with lysine.
Molecular consequence: missense variant. On other transcripts: intron variant (1).
Genome position (GRCh38, 1-based): chr11:9,992,528, G>T on the plus strand (C>A on the coding strand, the complement: SBF2 is on the minus strand). VCF-style: chr11-9992528-G-T. GRCh37 (hg19) VCF-style: chr11-10014075-G-T.
Other names: c.1183C>A, p.Gln395Lys (NM_001386339.1); c.1167+462C>A (NM_001386342.1); short protein forms Q395K.
Identifiers: ClinVar variation 642761 (VCV000642761.9), dbSNP rs1590699984, ClinGen allele CA379636999.

ClinVar aggregate classification (germline): Uncertain significance (1 of 4 stars; one submission).

Conditions:
Charcot-Marie-Tooth disease type 4. Also called: Charcot-Marie-Tooth disease, type IV; Charcot-Marie-Tooth, Type 4. Identifiers: Orphanet 64749, MedGen C4082197, MONDO:0018995.

Submission:

Labcorp Genetics (formerly Invitae), Labcorp
Classification: Uncertain significance for Charcot-Marie-Tooth disease type 4. Last evaluated: 2018-09-26. Review status: criteria provided, single submitter. Criteria: Invitae Variant Classification Sherloc (09022015). Collection method: clinical testing. Allele origin: germline.
Comment: This sequence change replaces glutamine with lysine at codon 395 of the SBF2 protein (p.Gln395Lys). The glutamine residue is moderately conserved and there is a small physicochemical difference between glutamine and lysine. This variant is not present in population databases (ExAC no frequency). This variant has not been reported in the literature in individuals with SBF2-related disease. Algorithms developed to predict the effect of missense changes on protein structure and function (SIFT, PolyPhen-2, Align-GVGD) all suggest that this variant is likely to be tolerated, but these predictions have not been confirmed by published functional studies and their clinical significance is uncertain. In summary, the available evidence is currently insufficient to determine the role of this variant in disease. Therefore, it has been classified as a Variant of Uncertain Significance.